The following is an entry in ClinVar:

ClinVar aggregate classification (germline): Uncertain significance (1 of 4 stars; one submission).

Conditions:
Inborn genetic diseases. Identifiers: MedGen C0950123, MeSH D030342.

gnomAD v4.1: 2 of 1,613,820 alleles (0.00012%); highest among the groups gnomAD compares: Non-Finnish European, 0.000085%; no homozygotes.

Submission:

Ambry Genetics
Classification: Uncertain significance for Inborn genetic diseases. Last evaluated: 2026-01-30. Review status: criteria provided, single submitter. Criteria: Ambry Variant Classification Scheme 2023. Collection method: clinical testing. Allele origin: germline.
Comment: The p.S304R variant (also known as c.912T>G), located in coding exon 3 of the MBD4 gene, results from a T to G substitution at nucleotide position 912. The serine at codon 304 is replaced by arginine, an amino acid with dissimilar properties. This amino acid position is not well conserved in available vertebrate species. In addition, this alteration is predicted to be tolerated by in silico analysis. Based on the available evidence, the clinical significance of this variant remains unclear.

NM_001276270.2(MBD4):c.912T>G (p.Ser304Arg)

Gene: MBD4 (methyl-CpG binding domain 4, DNA glycosylase; minus strand). Cytogenetic location: 3q21.3.
Variant type: single nucleotide variant.
Coding change: c.912T>G on transcript NM_001276270.2 (MANE Select); coding-DNA position 912, T replaced by G.
Protein change: p.Ser304Arg; replaces serine 304 with arginine.
Molecular consequence: missense variant. On other transcripts: intron variant (1).
Genome position (GRCh38, 1-based): chr3:129,436,732, A>C on the plus strand (T>G on the coding strand, the complement: MBD4 is on the minus strand). VCF-style: chr3-129436732-A-C. GRCh37 (hg19) VCF-style: chr3-129155575-A-C.
Other names: c.912T>G, p.Ser304Arg (NM_001276271.2, NM_001276272.2, NM_003925.3); c.247+1076T>G (NM_001276273.2); short protein forms S304R.
Identifiers: ClinVar variation 4825699 (VCV004825699.1).